The following is an entry in ClinVar:

NM_000257.4(MYH7):c.1208G>C (p.Arg403Pro)

Gene: MYH7 (myosin heavy chain 7; minus strand). Cytogenetic location: 14q11.2.
Variant type: single nucleotide variant.
Coding change: c.1208G>C on transcript NM_000257.4 (MANE Select); coding-DNA position 1208, G replaced by C.
Protein change: p.Arg403Pro; replaces arginine 403 with proline.
Molecular consequence: missense variant.
Genome position (GRCh38, 1-based): chr14:23,429,278, C>G on the plus strand (G>C on the coding strand, the complement: MYH7 is on the minus strand). VCF-style: chr14-23429278-C-G. GRCh37 (hg19) VCF-style: chr14-23898487-C-G.
Other names: short protein forms R403P.
Identifiers: ClinVar variation 652367 (VCV000652367.10), dbSNP rs121913624, ClinGen allele CA389051121.

ClinVar aggregate classification (germline): Uncertain significance. Review status: criteria provided, multiple submitters, no conflicts (2 of 4 stars). 2 submissions from 2 submitters: Uncertain significance (2). Last evaluated 2022-03-23.

Conditions:
Hypertrophic cardiomyopathy. Also called: HYPERTROPHIC MYOCARDIOPATHY. Identifiers: Orphanet 217569, MedGen C0007194, MeSH D002312, MONDO:0005045, HP:0001639.
Cardiovascular phenotype. Identifiers: MedGen CN230736.

Submissions (2):

Labcorp Genetics (formerly Invitae), Labcorp
Classification: Uncertain significance for Hypertrophic cardiomyopathy. Last evaluated: 2022-03-23. Review status: criteria provided, single submitter. Criteria: Invitae Variant Classification Sherloc (09022015). Collection method: clinical testing. Allele origin: germline.
Comment: In summary, the available evidence is currently insufficient to determine the role of this variant in disease. Therefore, it has been classified as a Variant of Uncertain Significance. This sequence change replaces arginine, which is basic and polar, with proline, which is neutral and non-polar, at codon 403 of the MYH7 protein (p.Arg403Pro). This variant is not present in population databases (gnomAD no frequency). This missense change has been observed in individual(s) with noncompaction cardiomyopathy (PMID: 29447731). ClinVar contains an entry for this variant (Variation ID: 652367). Algorithms developed to predict the effect of missense changes on protein structure and function are either unavailable or do not agree on the potential impact of this missense change (SIFT: "Deleterious"; PolyPhen-2: "Probably Damaging"; Align-GVGD: "Class C0"). This variant is found within a region of MYH7 between codons 181 and 937 that contains the majority of the myosin head domain. Missense variants in this region have been shown to be significantly overrepresented in individuals with hypertrophic cardiomyopathy (PMID: 27532257).

Ambry Genetics
Classification: Uncertain significance for Cardiovascular phenotype. Last evaluated: 2020-05-07. Review status: criteria provided, single submitter. Criteria: Ambry Variant Classification Scheme 2023. Collection method: clinical testing. Allele origin: germline.
Comment: The p.R403P variant (also known as c.1208G>C), located in coding exon 11 of the MYH7 gene, results from a G to C substitution at nucleotide position 1208. The arginine at codon 403 is replaced by proline, an amino acid with dissimilar properties, and is located in the myosin head domain. This variant was reported in an individual with left ventricular non-compaction (LVNC); however, clinical details were limited (van Waning JI et al. J. Am. Coll. Cardiol., 2018 02;71:711-722). Alternate amino acid substitutions at this position, p.R403Q and p.R403W, have been reported in individuals with hypertrophic cardiomyopathy (HCM) and have shown co-segregation in family members with HCM (Geisterfer-Lowrance AA et al. Cell, 1990 Sep;62:999-1006; Dausse E et al. J. Clin. Invest., 1993 Dec;92:2807-13); however, internal structural analysis indicates that p.R403P has less impact on MYH7 structure than these alterations. This amino acid position is highly conserved in available vertebrate species. In addition, this alteration is predicted to be deleterious by in silico analysis. Since supporting evidence is limited at this time, the clinical significance of this alteration remains unclear.

Literature cited by the submitters: PubMed 29447731 (cited by Labcorp Genetics (formerly Invitae), Labcorp and Ambry Genetics); PubMed 27532257 (cited by Labcorp Genetics (formerly Invitae), Labcorp).